The following is an entry in ClinVar:

ClinVar aggregate classification (germline): Uncertain significance. Review status: criteria provided, multiple submitters, no conflicts (2 of 4 stars). 2 submissions from 2 submitters: Uncertain significance (2). Last evaluated 2023-12-04.

Conditions:
Hereditary cancer-predisposing syndrome. Also called: Hereditary Cancer Syndrome; Neoplastic Syndromes, Hereditary; Tumor predisposition; Hereditary neoplastic syndrome. Identifiers: Orphanet 140162, MedGen C0027672, MeSH D009386, MONDO:0015356.
Hereditary diffuse gastric adenocarcinoma (HDGC). Also called: DIFFUSE GASTRIC AND LOBULAR BREAST CANCER SYNDROME. Identifiers: Orphanet 26106, MedGen C1708349, MONDO:0007648, OMIM 137215.

Allele frequency attached by ClinVar (database versions not stated): gnomAD exomes below 0.00001.
gnomAD v4.1: 1 of 1,613,302 alleles (0.000062%); highest among the groups gnomAD compares: Non-Finnish European, 0.000085%; no homozygotes.

Submissions (2):

Color Diagnostics, LLC DBA Color Health
Classification: Uncertain significance for Hereditary cancer-predisposing syndrome. Last evaluated: 2023-12-04. Review status: criteria provided, single submitter. Criteria: ACMG Guidelines, 2015. Collection method: clinical testing. Allele origin: germline.
Comment: This missense variant replaces asparagine with histidine at codon 570 of the CDH1 protein. To our knowledge, functional studies have not been reported for this variant. This variant has not been reported in individuals affected with CDH1-related disorders in the literature. This variant has not been identified in the general population by the Genome Aggregation Database (gnomAD). The available evidence is insufficient to determine the role of this variant in disease conclusively. Therefore, this variant is classified as a Variant of Uncertain Significance.

Labcorp Genetics (formerly Invitae), Labcorp
Classification: Uncertain significance for Hereditary diffuse gastric adenocarcinoma. Last evaluated: 2022-06-26. Review status: criteria provided, single submitter. Criteria: Invitae Variant Classification Sherloc (09022015). Collection method: clinical testing. Allele origin: germline.
Comment: In summary, the available evidence is currently insufficient to determine the role of this variant in disease. Therefore, it has been classified as a Variant of Uncertain Significance. Algorithms developed to predict the effect of missense changes on protein structure and function are either unavailable or do not agree on the potential impact of this missense change (SIFT: "Deleterious"; PolyPhen-2: "Possibly Damaging"; Align-GVGD: "Class C15"). ClinVar contains an entry for this variant (Variation ID: 630892). This variant has not been reported in the literature in individuals affected with CDH1-related conditions. This variant is not present in population databases (gnomAD no frequency). This sequence change replaces asparagine, which is neutral and polar, with histidine, which is basic and polar, at codon 570 of the CDH1 protein (p.Asn570His).

NM_004360.5(CDH1):c.1708A>C (p.Asn570His)

Gene: CDH1 (cadherin 1; plus strand). Cytogenetic location: 16q22.1.
Variant type: single nucleotide variant.
Coding change: c.1708A>C on transcript NM_004360.5 (MANE Select); coding-DNA position 1708, A replaced by C.
Protein change: p.Asn570His; replaces asparagine 570 with histidine.
Molecular consequence: missense variant. On other transcripts: intron variant (1).
Genome position (GRCh38, 1-based): chr16:68,819,422, A>C. VCF-style: chr16-68819422-A-C. GRCh37 (hg19) VCF-style: chr16-68853325-A-C.
Other names: c.1525A>C, p.Asn509His (NM_001317184.2); c.160A>C, p.Asn54His (NM_001317185.2); c.-254-2579A>C (NM_001317186.2); short protein forms N570H, N509H, N54H.
Identifiers: ClinVar variation 630892 (VCV000630892.10), dbSNP rs1567510854, ClinGen allele CA396465453.
Genomic context (GRCh38, chr16:68,819,422, plus strand): 5'-AGGGAGGATTTTGAGCACGTGAAGAACAGCACGTACACAGCCCTAATCATAGCTACAGAC[A>C]ATGGTAAGGGGGCCTCATCTGAGCCTTTGCTGCCTCGACCTCCTAGCTAGTTCAGTTCCT-3'
Protein context (NP_004351.1, residues 560-580): TYTALIIATD[Asn570His]GSPVATGTGT